The following is an entry in ClinVar:

NM_005159.5(ACTC1):c.377T>G (p.Phe126Cys)

Genes: GJD2-DT (GJD2 divergent transcript; plus strand), ACTC1 (actin alpha cardiac muscle 1; minus strand). Cytogenetic location: 15q14.
Variant type: single nucleotide variant.
Coding change: c.377T>G on transcript NM_005159.5 (MANE Select); coding-DNA position 377, T replaced by G.
Protein change: p.Phe126Cys; replaces phenylalanine 126 with cysteine.
Molecular consequence: missense variant.
Genome position (GRCh38, 1-based): chr15:34,793,322, A>C on the plus strand (T>G on the coding strand, the complement: ACTC1 is on the minus strand). VCF-style: chr15-34793322-A-C. GRCh37 (hg19) VCF-style: chr15-35085523-A-C.
Other names: short protein forms F126C.
Identifiers: ClinVar variation 920907 (VCV000920907.4), dbSNP rs1891746032, ClinGen allele CA391631370.
Genomic context (GRCh38, chr15:34,793,322, plus strand): 5'-GCATACAGGGATAGCACTGCCTGGATGGCCACGTACATGGCAGGGACATTGAAGGTCTCA[A>C]ACATGATCTGAGTCATCTTCTCCCGGTTGGCCTTGGGGTTCAGCGGGGCCTCTGTGAGCA-3'
Protein context (NP_005150.1, residues 116-136): ANREKMTQIM[Phe126Cys]ETFNVPAMYV

ClinVar aggregate classification (germline): Uncertain significance (1 of 4 stars; one submission).

Conditions:
Cardiomyopathy (CMYO). Also called: Cardiomyopathies. Identifiers: Orphanet 167848, MedGen C0878544, MONDO:0004994, HP:0001638. Inheritance: Various modes of inheritance.

Submission:

Color Diagnostics, LLC DBA Color Health
Classification: Uncertain significance for Cardiomyopathy. Last evaluated: 2024-03-06. Review status: criteria provided, single submitter. Criteria: ACMG Guidelines, 2015. Collection method: clinical testing. Allele origin: germline.
Comment: This missense variant replaces phenylalanine with cysteine at codon 126 of the ACTC1 protein. Computational prediction suggests that this variant may have deleterious impact on protein structure and function (internally defined REVEL score threshold >= 0.7, PMID: 27666373). Splice site prediction tools suggest that this variant may not impact RNA splicing. To our knowledge, functional studies have not been performed for this variant. This variant has not been reported in individuals affected with cardiovascular disorders in the literature. This variant has not been identified in the general population by the Genome Aggregation Database (gnomAD). The available evidence is insufficient to determine the role of this variant in disease conclusively. Therefore, this variant is classified as a Variant of Uncertain Significance.